The following is an entry in ClinVar:

ClinVar aggregate classification (germline): Uncertain significance (1 of 4 stars; one submission).

Allele frequency attached by ClinVar (database versions not stated): TOPMed 0.00016; 1000 Genomes Project 0.00020; gnomAD 0.00020 and 0.00024; gnomAD exomes 0.00024 and 0.00035; 1000 Genomes Project 30x 0.00031; ExAC 0.00041.

Submission:

Labcorp Genetics (formerly Invitae), Labcorp
Classification: Uncertain significance. Last evaluated: 2025-12-16. Review status: criteria provided, single submitter. Criteria: Invitae Variant Classification Sherloc (09022015). Collection method: clinical testing. Allele origin: germline.
Comment: This sequence change replaces arginine, which is basic and polar, with tryptophan, which is neutral and slightly polar, at codon 230 of the SIAE protein (p.Arg230Trp). This variant is present in population databases (rs200862001, gnomAD 0.2%), and has an allele count higher than expected for a pathogenic variant. This missense change has been observed in individual(s) with type I diabetes (PMID: 20555325). ClinVar contains an entry for this variant (Variation ID: 1025162). An algorithm developed to predict the effect of missense changes on protein structure and function (PolyPhen-2) suggests that this variant is likely to be disruptive. Experimental studies have shown that this missense change affects SIAE function (PMID: 20555325). In summary, the available evidence is currently insufficient to determine the role of this variant in disease. Therefore, it has been classified as a Variant of Uncertain Significance.

Literature cited by the submitters: PubMed 20555325.

NM_170601.5(SIAE):c.688C>T (p.Arg230Trp)

Gene: SIAE (sialic acid acetylesterase; minus strand). Cytogenetic location: 11q24.2.
Variant type: single nucleotide variant.
Coding change: c.688C>T on transcript NM_170601.5 (MANE Select); coding-DNA position 688, C replaced by T.
Protein change: p.Arg230Trp; replaces arginine 230 with tryptophan.
Molecular consequence: missense variant.
Genome position (GRCh38, 1-based): chr11:124,649,653, G>A on the plus strand (C>T on the coding strand, the complement: SIAE is on the minus strand). VCF-style: chr11-124649653-G-A. GRCh37 (hg19) VCF-style: chr11-124519549-G-A.
Other names: c.583C>T, p.Arg195Trp (NM_001199922.2); short protein forms R195W, R230W.
Identifiers: ClinVar variation 1025162 (VCV001025162.7), dbSNP rs200862001, ClinGen allele CA6341441.